The following is an entry in ClinVar:

ClinVar aggregate classification (germline): Benign. Review status: criteria provided, multiple submitters, no conflicts (2 of 4 stars). 8 submissions from 8 submitters: Benign (7). 1 of the submissions does not count toward it. Last evaluated 2026-02-04.

Conditions:
Familial dysautonomia. Also called: FD; HSAN III. Identifiers: Orphanet 1764, MedGen C0013364, MONDO:0009131, OMIM 223900. Disease mechanism: loss of function.

Allele frequency attached by ClinVar (database versions not stated): ESP Exome Variant Server 0.03452; gnomAD 0.04943 and 0.05136; TOPMed 0.05080; gnomAD exomes 0.05287 and 0.07329; ExAC 0.06572; 1000 Genomes Project 30x 0.06668; 1000 Genomes Project 0.06669.
gnomAD v4.1: 84,975 of 1,613,602 alleles (5.3%); highest among the groups gnomAD compares: Admixed American, 17%; 3,249 homozygotes.

Submissions (8):

Labcorp Genetics (formerly Invitae), Labcorp
Classification: Benign. Last evaluated: 2026-02-04. Review status: criteria provided, single submitter. Criteria: Invitae Variant Classification Sherloc (09022015). Collection method: clinical testing. Allele origin: germline.

Genome-Nilou Lab
Classification: Benign for Familial dysautonomia. Last evaluated: 2021-07-01. Review status: criteria provided, single submitter. Criteria: ACMG Guidelines, 2015. Collection method: clinical testing. Allele origin: germline. Affected: no.

Mayo Clinic Laboratories, Mayo Clinic
Classification: Benign. Last evaluated: 2021-04-25. Review status: criteria provided, single submitter. Criteria: ACMG Guidelines, 2015. Collection method: clinical testing. Allele origin: germline. Observed: 190 variant alleles.

Illumina Laboratory Services, Illumina
Classification: Benign for Familial dysautonomia. Last evaluated: 2018-01-12. Review status: criteria provided, single submitter. Criteria: ICSL Variant Classification Criteria 13 December 2019. Collection method: clinical testing. Allele origin: germline.
Comment: This variant was observed in the ICSL laboratory as part of a predisposition screen in an ostensibly healthy population. It had not been previously curated by ICSL or reported in the Human Gene Mutation Database (HGMD: prior to June 1st, 2018), and was therefore a candidate for classification through an automated scoring system. Utilizing variant allele frequency, disease prevalence and penetrance estimates, and inheritance mode, an automated score was calculated to assess if this variant is too frequent to cause the disease. Based on the score and internal cut-off values, a variant classified as benign is not then subjected to further curation. The score for this variant resulted in a classification of benign for this disease.

GeneDx
Classification: Benign. Last evaluated: 2014-05-13. Review status: criteria provided, single submitter. Criteria: GeneDx Variant Classification (06012015). Collection method: clinical testing. Allele origin: germline. Affected: yes.
Comment: This variant is considered likely benign or benign based on one or more of the following criteria: it is a conservative change, it occurs at a poorly conserved position in the protein, it is predicted to be benign by multiple in silico algorithms, and/or has population frequency not consistent with disease.

Breakthrough Genomics
Classification: Benign. Review status: criteria provided, single submitter. Criteria: ACMG Guidelines, 2015. Collection method: not provided. Allele origin: germline. Inheritance: Autosomal recessive inheritance. Affected: yes.

PreventionGenetics, part of Exact Sciences
Classification: Benign. Review status: criteria provided, single submitter. Criteria: ACMG Guidelines, 2015. Collection method: clinical testing. Allele origin: germline.

Natera, Inc.
Classification: Benign for Familial dysautonomia. Last evaluated: 2017-05-10. Review status: no assertion criteria provided. Collection method: clinical testing. Allele origin: germline. Not counted in ClinVar's aggregate classification.

NM_003640.5(ELP1):c.819C>T (p.Leu273=)

Gene: ELP1 (elongator acetyltransferase complex subunit 1; minus strand). Cytogenetic location: 9q31.3.
Variant type: single nucleotide variant.
Coding change: c.819C>T on transcript NM_003640.5 (MANE Select); coding-DNA position 819, C replaced by T.
Protein change: p.Leu273=; no amino-acid change (leucine 273 retained).
Molecular consequence: synonymous variant. On other transcripts: 5 prime UTR variant (1).
Genome position (GRCh38, 1-based): chr9:108,917,592, G>A on the plus strand (C>T on the coding strand, the complement: ELP1 is on the minus strand). VCF-style: chr9-108917592-G-A. GRCh37 (hg19) VCF-style: chr9-111679872-G-A.
Other names: p.L273L:CTC>CTT; p.Leu273=; c.819C>T (LRG_251t1); c.477C>T, p.Leu159= (NM_001318360.2); c.-229C>T (NM_001330749.2).
Identifiers: ClinVar variation 137570 (VCV000137570.25), dbSNP rs12340246, ClinGen allele CA291207.